The following is an entry in ClinVar:

ClinVar aggregate classification (germline): Uncertain significance (1 of 4 stars; one submission).

Submission:

GeneDx
Classification: Uncertain significance. Last evaluated: 2021-09-30. Review status: criteria provided, single submitter. Criteria: GeneDx Variant Classification Process June 2021. Collection method: clinical testing. Allele origin: germline. Affected: yes.
Comment: In silico analysis supports a deleterious effect on protein structure/function; Has not been previously published as pathogenic or benign to our knowledge

NM_013247.5(HTRA2):c.752_753delinsGT (p.Val251Gly)

Genes: HTRA2 (HtrA serine peptidase 2; plus strand), LOC129934143 (ATAC-STARR-seq lymphoblastoid active region 16075; plus strand). Cytogenetic location: 2p13.1.
Variant type: Indel.
Coding change: c.752_753delinsGT on transcript NM_013247.5 (MANE Select); coding-DNA positions 752 to 753, TC replaced by GT.
Protein change: p.Val251Gly; replaces valine 251 with glycine.
Molecular consequence: missense variant. On other transcripts: non-coding transcript variant (4), intron variant (1).
Genome position (GRCh38, 1-based): chr2:74,530,951-74,530,952, TC replaced by GT. VCF-style: chr2-74530951-TC-GT. GRCh37 (hg19) VCF-style: chr2-74758078-TC-GT.
Other names: c.752_753delinsGT, p.Val251Gly (NM_001321727.1, NM_001321728.1); c.711+130_711+131delinsGT (NM_145074.2); short protein forms V251G.
Identifiers: ClinVar variation 1675301 (VCV001675301.2), dbSNP rs2104370725, ClinGen allele CA2573135993.